The following is an entry in ClinVar:

ClinVar aggregate classification (germline): Likely benign (0 of 4 stars; one submission).

Conditions:
TNK1-related disorder. Also called: TNK1-related condition.

Allele frequency attached by ClinVar (database versions not stated): ExAC 0.00004; gnomAD 0.00004; TOPMed 0.00005; gnomAD exomes 0.00006.

Submission:

PreventionGenetics, part of Exact Sciences
Classification: Likely benign for TNK1-related condition. Last evaluated: 2020-03-19. Review status: no assertion criteria provided. Collection method: clinical testing. Allele origin: germline.
Comment: This variant is classified as likely benign based on ACMG/AMP sequence variant interpretation guidelines (Richards et al. 2015 PMID: 25741868, with internal and published modifications).

NM_003985.6(TNK1):c.1149G>A (p.Ser383=)

Gene: TNK1 (tyrosine kinase non receptor 1; plus strand). Cytogenetic location: 17p13.1.
Variant type: single nucleotide variant.
Coding change: c.1149G>A on transcript NM_003985.6 (MANE Select); coding-DNA position 1149, G replaced by A.
Protein change: p.Ser383=; no amino-acid change (serine 383 retained).
Molecular consequence: synonymous variant.
Genome position (GRCh38, 1-based): chr17:7,386,572, G>A. VCF-style: chr17-7386572-G-A. GRCh37 (hg19) VCF-style: chr17-7289891-G-A.
Other names: c.1149G>A, p.Ser383= (NM_001251902.3).
Identifiers: ClinVar variation 3047615 (VCV003047615.2), dbSNP rs776157728, ClinGen allele CA8345109.